The following is an entry in ClinVar:

NM_006612.6(KIF1C):c.862A>G (p.Met288Val)

Genes: KIF1C (kinesin family member 1C; plus strand), LOC126862472 (CDK7 strongly-dependent group 2 enhancer GRCh37_chr17:4906716-4907915; plus strand). Cytogenetic location: 17p13.2.
Variant type: single nucleotide variant.
Coding change: c.862A>G on transcript NM_006612.6 (MANE Select); coding-DNA position 862, A replaced by G.
Protein change: p.Met288Val; replaces methionine 288 with valine.
Molecular consequence: missense variant.
Genome position (GRCh38, 1-based): chr17:5,003,914, A>G. VCF-style: chr17-5003914-A-G. GRCh37 (hg19) VCF-style: chr17-4907209-A-G.
Other names: short protein forms M288V.
Identifiers: ClinVar variation 3388910 (VCV003388910.14).

ClinVar aggregate classification (germline): Uncertain significance (1 of 4 stars; one submission).

gnomAD v4.1: 10 of 1,613,748 alleles (0.00062%); highest among the groups gnomAD compares: Non-Finnish European, 0.00085%; no homozygotes.

Submission:

CeGaT Center for Human Genetics Tuebingen
Classification: Uncertain significance. Last evaluated: 2024-10-01. Review status: criteria provided, single submitter. Criteria: CeGaT Center For Human Genetics Tuebingen Variant Classification Criteria Version 2. Collection method: clinical testing. Allele origin: germline. Affected: yes. Observed: 2 variant alleles.
Comment: KIF1C: PM2